The following is an entry in ClinVar:

ClinVar aggregate classification (germline): Benign/Likely benign. Review status: criteria provided, multiple submitters, no conflicts (2 of 4 stars). 8 submissions from 8 submitters: Benign (6); Likely benign (1). 1 of the submissions does not count toward it. Last evaluated 2026-01-16.

Conditions:
OTOGL-related disorder. Also called: OTOGL-related condition.

Allele frequency attached by ClinVar (database versions not stated): ESP Exome Variant Server 0.00257; TOPMed 0.00376; 1000 Genomes Project 0.00399.
gnomAD v4.1: 990 of 1,613,638 alleles (0.061%); highest among the groups gnomAD compares: African/African-American, 1.1%; 8 homozygotes.

Submissions (8):

Labcorp Genetics (formerly Invitae), Labcorp
Classification: Benign. Last evaluated: 2026-01-16. Review status: criteria provided, single submitter. Criteria: Invitae Variant Classification Sherloc (09022015). Collection method: clinical testing. Allele origin: germline.

Blueprint Genetics
Classification: Likely benign. Last evaluated: 2024-09-11. Review status: criteria provided, single submitter. Criteria: ACMG Guidelines, 2015. Collection method: clinical testing. Allele origin: germline.

CeGaT Center for Human Genetics Tuebingen
Classification: Benign. Last evaluated: 2023-08-01. Review status: criteria provided, single submitter. Criteria: CeGaT Center For Human Genetics Tuebingen Variant Classification Criteria Version 2. Collection method: clinical testing. Allele origin: germline. Affected: yes. Observed: 1 variant allele.
Comment: OTOGL: BS1, BS2

Mayo Clinic Laboratories, Mayo Clinic
Classification: Benign. Last evaluated: 2022-03-23. Review status: criteria provided, single submitter. Criteria: ACMG Guidelines, 2015. Collection method: clinical testing. Allele origin: germline. Observed: 3 variant alleles.
Comment: BA1, BS1, BS2

GeneDx
Classification: Benign. Last evaluated: 2019-08-14. Review status: criteria provided, single submitter. Criteria: GeneDx Variant Classification Process June 2021. Collection method: clinical testing. Allele origin: germline. Affected: yes.

Laboratory for Molecular Medicine, Mass General Brigham Personalized Medicine
Classification: Benign. Last evaluated: 2014-11-24. Review status: criteria provided, single submitter. Criteria: LMM Criteria. Collection method: clinical testing. Allele origin: germline. Observed: 2 variant alleles.
Comment: Trp1288Arg in exon 33 of OTOGL: This variant is not expected to have clinical si gnificance because it has been identified in 0.8% (31/3810) of African American chromosomes from a broad population by the NHLBI Exome Sequencing Project (dbSNP rs148064564).

Breakthrough Genomics
Classification: Benign. Review status: criteria provided, single submitter. Criteria: ACMG Guidelines, 2015. Collection method: not provided. Allele origin: germline. Inheritance: Autosomal recessive inheritance. Affected: yes.

PreventionGenetics, part of Exact Sciences
Classification: Benign for OTOGL-related condition. Last evaluated: 2024-08-23. Review status: no assertion criteria provided. Collection method: clinical testing. Allele origin: germline. Not counted in ClinVar's aggregate classification.
Comment: This variant is classified as benign based on ACMG/AMP sequence variant interpretation guidelines (Richards et al. 2015 PMID: 25741868, with internal and published modifications).

NM_001378609.3(OTOGL):c.3889T>A (p.Trp1297Arg)

Gene: OTOGL (otogelin like; plus strand). Cytogenetic location: 12q21.31.
Variant type: single nucleotide variant.
Coding change: c.3889T>A on transcript NM_001378609.3 (MANE Select); coding-DNA position 3889, T replaced by A.
Protein change: p.Trp1297Arg; replaces tryptophan 1297 with arginine.
Molecular consequence: missense variant.
Genome position (GRCh38, 1-based): chr12:80,320,508, T>A. VCF-style: chr12-80320508-T-A. GRCh37 (hg19) VCF-style: chr12-80714288-T-A.
Other names: c.3754T>A, p.Trp1252Arg (NM_001368062.3); c.3889T>A, p.Trp1297Arg (NM_001378610.3, NM_173591.7); short protein forms W1288R, W1252R, W1297R.
Identifiers: ClinVar variation 226945 (VCV000226945.41), dbSNP rs148064564, ClinGen allele CA6701200.